The following is an entry in ClinVar:

NM_033109.5(PNPT1):c.*11dup

Gene: PNPT1 (polyribonucleotide nucleotidyltransferase 1; minus strand). Cytogenetic location: 2p16.1.
Variant type: Duplication.
Coding change: c.*11dup on transcript NM_033109.5 (MANE Select); 11 bases downstream of the stop codon, one base duplicated (T; older notation c.*11dupT).
Molecular consequence: 3 prime UTR variant.
Genome position (GRCh38, 1-based): chr2:55,636,226, A duplicated on the plus strand (T on the coding strand, the reverse complement: PNPT1 is on the minus strand); the first of 11 consecutive A bases (chr2:55,636,226-55,636,236); duplicating any one gives the same sequence. VCF-style (leftmost placement, unchanged base first): chr2-55636225-T-TA. GRCh37 (hg19) VCF-style: chr2-55863360-T-TA.
Identifiers: ClinVar variation 215003 (VCV000215003.4), dbSNP rs35916020, ClinGen allele CA325362.

ClinVar aggregate classification (germline): Benign. Review status: criteria provided, multiple submitters, no conflicts (2 of 4 stars). 4 submissions from 3 submitters: Benign (4). Last evaluated 2024-11-26.

Conditions:
Autosomal recessive nonsyndromic hearing loss 70. Also called: Deafness, autosomal recessive 70. Identifiers: Orphanet 90636, MedGen C1824925, MONDO:0013978, OMIM 614934.
Combined oxidative phosphorylation defect type 13. Also called: Combined oxidative phosphorylation deficiency 13. Identifiers: Orphanet 319514, MedGen C4706283, MONDO:0013977, OMIM 614932.

Submissions (4):

Blueprint Genetics
Classification: Benign. Last evaluated: 2024-11-26. Review status: criteria provided, single submitter. Criteria: ACMG Guidelines, 2015. Collection method: clinical testing. Allele origin: germline.

Genome-Nilou Lab
Classification: Benign for Combined oxidative phosphorylation defect type 13. Last evaluated: 2021-10-25. Review status: criteria provided, single submitter. Criteria: ACMG Guidelines, 2015. Collection method: clinical testing. Allele origin: germline. Affected: no.

Genome-Nilou Lab
Classification: Benign for Autosomal recessive nonsyndromic hearing loss 70. Last evaluated: 2021-10-25. Review status: criteria provided, single submitter. Criteria: ACMG Guidelines, 2015. Collection method: clinical testing. Allele origin: germline. Affected: no.

GeneDx
Classification: Benign. Last evaluated: 2014-06-24. Review status: criteria provided, single submitter. Criteria: GeneDx Variant Classification (06012015). Collection method: clinical testing. Allele origin: germline. Affected: yes.
Comment: The variant is found in MITONUC-MITOP panel(s).